The following is an entry in ClinVar:

NM_001184.4(ATR):c.4254C>A (p.Ala1418=)

Gene: ATR (ATR checkpoint kinase; minus strand). Cytogenetic location: 3q23.
Variant type: single nucleotide variant.
Coding change: c.4254C>A on transcript NM_001184.4 (MANE Select); coding-DNA position 4254, C replaced by A.
Protein change: p.Ala1418=; no amino-acid change (alanine 1418 retained).
Molecular consequence: synonymous variant.
Genome position (GRCh38, 1-based): chr3:142,522,740, G>T on the plus strand (C>A on the coding strand, the complement: ATR is on the minus strand). VCF-style: chr3-142522740-G-T. GRCh37 (hg19) VCF-style: chr3-142241582-G-T.
Other names: c.4062C>A, p.Ala1354= (NM_001354579.2).
Identifiers: ClinVar variation 1739110 (VCV001739110.10), dbSNP rs2108395502, ClinGen allele CA436112927.
Genomic context (GRCh38, chr3:142,522,740, plus strand): 5'-ATTTGAATTAAACAATTTAAAGCCAGTAATGACTATATCCACTCTTACCTGAATGGCATA[G>T]GCAGCTGAATCTTGAGCTCGGCTATTATCAGCATACGCAAGGTAAGCTCTTGTTAGCTCC-3'
Protein context (NP_001175.2, residues 1408-1428): ADNSRAQDSA[Ala1418=]YAIQELLSIY

ClinVar aggregate classification (germline): Likely benign. Review status: criteria provided, multiple submitters, no conflicts (2 of 4 stars). 2 submissions from 2 submitters: Likely benign (2). Last evaluated 2025-07-01.

Conditions:
Inborn genetic diseases. Identifiers: MedGen C0950123, MeSH D030342.

Submissions (2):

CeGaT Center for Human Genetics Tuebingen
Classification: Likely benign. Last evaluated: 2025-07-01. Review status: criteria provided, single submitter. Criteria: CeGaT Center For Human Genetics Tuebingen Variant Classification Criteria Version 2. Collection method: clinical testing. Allele origin: germline. Affected: yes. Observed: 1 variant allele.
Comment: ATR: PM2:Supporting, BP4, BP7

Ambry Genetics
Classification: Likely benign for Inborn genetic diseases. Last evaluated: 2021-02-16. Review status: criteria provided, single submitter. Criteria: Ambry Variant Classification Scheme 2023. Collection method: clinical testing. Allele origin: germline.